The following is an entry in ClinVar:

ClinVar aggregate classification (germline): Uncertain significance. Review status: criteria provided, multiple submitters, no conflicts (2 of 4 stars). 2 submissions from 2 submitters: Uncertain significance (2). Last evaluated 2023-09-09.

Conditions:
Cardiomyopathy (CMYO). Also called: Cardiomyopathies. Identifiers: Orphanet 167848, MedGen C0878544, MONDO:0004994, HP:0001638. Inheritance: Various modes of inheritance.

Allele frequency attached by ClinVar (database versions not stated): gnomAD exomes below 0.00001; TOPMed 0.00001.
gnomAD v4.1: 7 of 1,609,380 alleles (0.00043%); highest among the groups gnomAD compares: Non-Finnish European, 0.00051%; no homozygotes.

Submissions (2):

All of Us Research Program, National Institutes of Health
Classification: Uncertain significance for Cardiomyopathy. Last evaluated: 2023-09-09. Review status: criteria provided, single submitter. Criteria: ACMG Guidelines, 2015. Collection method: clinical testing. Allele origin: germline. Inheritance: Autosomal dominant inheritance. Observed: 6 variant alleles, 6 heterozygotes.
Comment: This variant is located in the 3' untranslated region of the TNNT2 gene. To our knowledge, functional studies have not been reported for this variant. This variant has not been reported in individuals affected with cardiovascular disorders in the literature. This variant has not been identified in the general population by the Genome Aggregation Database (gnomAD). The available evidence is insufficient to determine the role of this variant in disease conclusively. Therefore, this variant is classified as a Variant of Uncertain Significance.

This study involves interpretation of variants in research participants for the purpose of population health screening. Participant phenotype was not available at the time of variant classification. Additional details can be found in publication PMID: 35346344, PMCID: PMC8962531

Color Diagnostics, LLC DBA Color Health
Classification: Uncertain significance for Cardiomyopathy. Last evaluated: 2022-12-06. Review status: criteria provided, single submitter. Criteria: ACMG Guidelines, 2015. Collection method: clinical testing. Allele origin: germline.
Comment: This variant is located in the 3' untranslated region of the TNNT2 gene. To our knowledge, functional studies have not been reported for this variant. This variant has not been reported in individuals affected with cardiovascular disorders in the literature. This variant has not been identified in the general population by the Genome Aggregation Database (gnomAD). The available evidence is insufficient to determine the role of this variant in disease conclusively. Therefore, this variant is classified as a Variant of Uncertain Significance.

NM_001276345.2(TNNT2):c.*2G>A

Gene: TNNT2 (troponin T2, cardiac type; minus strand). Cytogenetic location: 1q32.1.
Variant type: single nucleotide variant.
Coding change: c.*2G>A on transcript NM_001276345.2 (MANE Select); 2 bases downstream of the stop codon, G replaced by A.
Molecular consequence: 3 prime UTR variant.
Genome position (GRCh38, 1-based): chr1:201,359,208, C>T on the plus strand (G>A on the coding strand, the complement: TNNT2 is on the minus strand). VCF-style: chr1-201359208-C-T. GRCh37 (hg19) VCF-style: chr1-201328336-C-T.
Other names: c.*2G>A (NM_000364.4, NM_001001430.3, NM_001001431.3 and 3 more transcripts).
Identifiers: ClinVar variation 927992 (VCV000927992.6), dbSNP rs1449258380, ClinGen allele CA528089847.